The following is an entry in ClinVar:

NM_017849.4(TMEM127):c.385T>C (p.Tyr129His)

Gene: TMEM127 (transmembrane protein 127; minus strand). Cytogenetic location: 2q11.2.
Variant type: single nucleotide variant.
Coding change: c.385T>C on transcript NM_017849.4 (MANE Select); coding-DNA position 385, T replaced by C.
Protein change: p.Tyr129His; replaces tyrosine 129 with histidine.
Molecular consequence: missense variant.
Genome position (GRCh38, 1-based): chr2:96,254,857, A>G on the plus strand (T>C on the coding strand, the complement: TMEM127 is on the minus strand). VCF-style: chr2-96254857-A-G. GRCh37 (hg19) VCF-style: chr2-96920595-A-G.
Other names: c.385T>C, p.Tyr129His (NM_001193304.3); c.133T>C, p.Tyr45His (NM_001407282.1, NM_001407283.1); short protein forms Y129H, Y45H.
Identifiers: ClinVar variation 2902579 (VCV002902579.4), dbSNP rs1325707238, ClinGen allele CA347653299.

ClinVar aggregate classification (germline): Uncertain significance. Review status: criteria provided, multiple submitters, no conflicts (2 of 4 stars). 2 submissions from 2 submitters: Uncertain significance (2). Last evaluated 2026-09-04.

Conditions:
Hereditary pheochromocytoma and paraganglioma. Also called: Hereditary Paraganglioma-Pheochromocytoma Syndromes; Hereditary paragangliomas and pheochromocytomas; Hereditary pheochromocytoma-paraganglioma. Identifiers: Orphanet 29072, MedGen C4274332, MONDO:0017366.
Hereditary cancer-predisposing syndrome. Also called: Hereditary Cancer Syndrome; Hereditary neoplastic syndrome; Neoplastic Syndromes, Hereditary; Tumor predisposition. Identifiers: Orphanet 140162, MedGen C0027672, MeSH D009386, MONDO:0015356.

Submissions (2):

Ambry Genetics
Classification: Uncertain significance for Hereditary cancer-predisposing syndrome. Last evaluated: 2026-09-04. Review status: criteria provided, single submitter. Criteria: Ambry Variant Classification Scheme 2023. Collection method: clinical testing. Allele origin: germline.
Comment: The p.Y129H variant (also known as c.385T>C), located in coding exon 2 of the TMEM127 gene, results from a T to C substitution at nucleotide position 385. The tyrosine at codon 129 is replaced by histidine, an amino acid with similar properties. This amino acid position is highly conserved in available vertebrate species. In addition, this alteration is predicted to be deleterious by in silico analysis. Based on the available evidence, the clinical significance of this variant remains unclear.

Labcorp Genetics (formerly Invitae), Labcorp
Classification: Uncertain significance for Hereditary pheochromocytoma and paraganglioma. Last evaluated: 2023-01-26. Review status: criteria provided, single submitter. Criteria: Invitae Variant Classification Sherloc (09022015). Collection method: clinical testing. Allele origin: germline.
Comment: Algorithms developed to predict the effect of missense changes on protein structure and function (SIFT, PolyPhen-2, Align-GVGD) all suggest that this variant is likely to be disruptive. This variant has not been reported in the literature in individuals affected with TMEM127-related conditions. This variant is present in population databases (no rsID available, gnomAD 0.006%). This sequence change replaces tyrosine, which is neutral and polar, with histidine, which is basic and polar, at codon 129 of the TMEM127 protein (p.Tyr129His). In summary, the available evidence is currently insufficient to determine the role of this variant in disease. Therefore, it has been classified as a Variant of Uncertain Significance.